The following is an entry in ClinVar:

ClinVar aggregate classification (germline): Conflicting classifications of pathogenicity. Review status: criteria provided, conflicting classifications (1 of 4 stars). 3 submissions from 3 submitters: Uncertain significance (2); Likely benign (1). Last evaluated 2026-08-07.

Conditions:
SIX5-related disorder. Also called: SIX5-related condition.

gnomAD v4.1: 34 of 1,529,588 alleles (0.0022%); highest among the groups gnomAD compares: Admixed American, 0.0079%; no homozygotes.

Submissions (3):

PreventionGenetics, part of Exact Sciences
Classification: Uncertain significance for SIX5-related condition. Last evaluated: 2026-08-07. Review status: criteria provided, single submitter. Criteria: ACMG Guidelines, 2015. Collection method: clinical testing. Allele origin: germline.
Comment: The SIX5 c.43G>T variant is predicted to result in the amino acid substitution p.Gly15Trp. To our knowledge, this variant has not been reported in the literature. This variant is reported in 0.0086% of alleles in individuals of East Asian descent in gnomAD. At this time, the clinical significance of this variant is uncertain due to the absence of conclusive functional and genetic evidence.

Labcorp Genetics (formerly Invitae), Labcorp
Classification: Uncertain significance. Last evaluated: 2025-07-31. Review status: criteria provided, single submitter. Criteria: Invitae Variant Classification Sherloc (09022015). Collection method: clinical testing. Allele origin: germline.
Comment: This sequence change replaces glycine, which is neutral and non-polar, with tryptophan, which is neutral and slightly polar, at codon 15 of the SIX5 protein (p.Gly15Trp). This variant is present in population databases (no rsID available, gnomAD 0.009%). This variant has not been reported in the literature in individuals affected with SIX5-related conditions. ClinVar contains an entry for this variant (Variation ID: 2962756). Experimental studies and prediction algorithms are not available or were not evaluated, and the functional significance of this variant is currently unknown. In summary, the available evidence is currently insufficient to determine the role of this variant in disease. Therefore, it has been classified as a Variant of Uncertain Significance.

Blueprint Genetics
Classification: Likely benign. Last evaluated: 2024-10-16. Review status: criteria provided, single submitter. Criteria: ACMG Guidelines, 2015. Collection method: clinical testing. Allele origin: germline.

NM_175875.5(SIX5):c.43G>T (p.Gly15Trp)

Genes: DM1-AS (DM1 locus antisense RNA; plus strand), SIX5 (SIX homeobox 5; minus strand), LOC107075317 (origin of replication in DMPK trinucleotide repeat region; plus strand). Cytogenetic location: 19q13.32.
Variant type: single nucleotide variant.
Coding change: c.43G>T on transcript NM_175875.5 (MANE Select); coding-DNA position 43, G replaced by T.
Protein change: p.Gly15Trp; replaces glycine 15 with tryptophan.
Molecular consequence: missense variant.
Genome position (GRCh38, 1-based): chr19:45,768,802, C>A on the plus strand (G>T on the coding strand, the complement: SIX5 is on the minus strand). VCF-style: chr19-45768802-C-A. GRCh37 (hg19) VCF-style: chr19-46272060-C-A.
Other names: c.43G>T (NM_175875.4); short protein forms G15W.
Identifiers: ClinVar variation 2962756 (VCV002962756.5), dbSNP rs1020167733, ClinGen allele CA406424865.